The following is an entry in ClinVar:

NM_172107.4(KCNQ2):c.1587C>T (p.Thr529=)

Gene: KCNQ2 (potassium voltage-gated channel subfamily Q member 2; minus strand). Cytogenetic location: 20q13.33.
Variant type: single nucleotide variant.
Coding change: c.1587C>T on transcript NM_172107.4 (MANE Select); coding-DNA position 1587, C replaced by T.
Protein change: p.Thr529=; no amino-acid change (threonine 529 retained).
Molecular consequence: synonymous variant.
Genome position (GRCh38, 1-based): chr20:63,414,132, G>A on the plus strand (C>T on the coding strand, the complement: KCNQ2 is on the minus strand). VCF-style: chr20-63414132-G-A. GRCh37 (hg19) VCF-style: chr20-62045485-G-A.
Other names: c.1503C>T, p.Thr501= (NM_004518.6); c.1533C>T, p.Thr511= (NM_172106.3); c.1494C>T, p.Thr498= (NM_172108.5); c.1587C>T (NM_172107.3).
Identifiers: ClinVar variation 530545 (VCV000530545.34), dbSNP rs753417293, ClinGen allele CA9958400.

ClinVar aggregate classification (germline): Likely benign. Review status: criteria provided, multiple submitters, no conflicts (2 of 4 stars). 4 submissions from 4 submitters: Likely benign (3). 1 of the submissions does not count toward it. Last evaluated 2026-01-27.

Conditions:
Early-infantile DEE. Also called: Early infantile epileptic encephalopathy; Ohtahara syndrome; Early infantile epileptic encephalopathy with suppression bursts. Identifiers: Orphanet 1934, MedGen C0393706, MONDO:0800491.
KCNQ2-Related Disorders. Also called: KCNQ2-related condition; KCNQ2-related disorder. Identifiers: MedGen CN169299.
Inborn genetic diseases. Identifiers: MedGen C0950123, MeSH D030342.

Allele frequency attached by ClinVar (database versions not stated): gnomAD 0.00002; TOPMed 0.00003; ExAC 0.00004; gnomAD exomes 0.00004.
gnomAD v4.1: 53 of 1,613,598 alleles (0.0033%); highest among the groups gnomAD compares: East Asian, 0.022%; no homozygotes.

Submissions (4):

Labcorp Genetics (formerly Invitae), Labcorp
Classification: Likely benign for Early-infantile DEE. Last evaluated: 2026-01-27. Review status: criteria provided, single submitter. Criteria: Invitae Variant Classification Sherloc (09022015). Collection method: clinical testing. Allele origin: germline.

CeGaT Center for Human Genetics Tuebingen
Classification: Likely benign. Last evaluated: 2024-08-01. Review status: criteria provided, single submitter. Criteria: CeGaT Center For Human Genetics Tuebingen Variant Classification Criteria Version 2. Collection method: clinical testing. Allele origin: germline. Affected: yes. Observed: 1 variant allele.
Comment: KCNQ2: BP4, BP7

Ambry Genetics
Classification: Likely benign for Inborn genetic diseases. Last evaluated: 2017-04-14. Review status: criteria provided, single submitter. Criteria: Ambry Variant Classification Scheme 2023. Collection method: clinical testing. Allele origin: germline.

PreventionGenetics, part of Exact Sciences
Classification: Likely benign for KCNQ2-related condition. Last evaluated: 2019-03-22. Review status: no assertion criteria provided. Collection method: clinical testing. Allele origin: germline. Not counted in ClinVar's aggregate classification.
Comment: This variant is classified as likely benign based on ACMG/AMP sequence variant interpretation guidelines (Richards et al. 2015 PMID: 25741868, with internal and published modifications).